The following is an entry in ClinVar:

ClinVar aggregate classification (germline): Uncertain significance (1 of 4 stars; one submission).

Conditions:
Inborn genetic diseases. Identifiers: MedGen C0950123, MeSH D030342.

Submission:

Ambry Genetics
Classification: Uncertain significance for Inborn genetic diseases. Last evaluated: 2024-11-25. Review status: criteria provided, single submitter. Criteria: Ambry Variant Classification Scheme 2023. Collection method: clinical testing. Allele origin: germline.
Comment: The p.V567L variant (also known as c.1699G>T), located in coding exon 14 of the DNMT3A gene, results from a G to T substitution at nucleotide position 1699. The valine at codon 567 is replaced by leucine, an amino acid with highly similar properties. This amino acid position is conserved. In addition, this alteration is predicted to be deleterious by in silico analysis. Based on the available evidence, the clinical significance of this variant remains unclear.

NM_022552.5(DNMT3A):c.1699G>T (p.Val567Leu)

Gene: DNMT3A (DNA methyltransferase 3 alpha; minus strand). Cytogenetic location: 2p23.3.
Variant type: single nucleotide variant.
Coding change: c.1699G>T on transcript NM_022552.5 (MANE Select); coding-DNA position 1699, G replaced by T.
Protein change: p.Val567Leu; replaces valine 567 with leucine.
Molecular consequence: missense variant. On other transcripts: non-coding transcript variant (1).
Genome position (GRCh38, 1-based): chr2:25,244,307, C>A on the plus strand (G>T on the coding strand, the complement: DNMT3A is on the minus strand). VCF-style: chr2-25244307-C-A. GRCh37 (hg19) VCF-style: chr2-25467176-C-A.
Other names: c.1243G>T, p.Val415Leu (NM_001320893.1); c.1030G>T, p.Val344Leu (NM_001375819.1); c.1132G>T, p.Val378Leu (NM_153759.3); c.1699G>T, p.Val567Leu (NM_175629.2); short protein forms V344L, V378L, V567L, V415L.
Identifiers: ClinVar variation 3504234 (VCV003504234.1).
Genomic context (GRCh38, chr2:25,244,307, plus strand): 5'-CGCACATGTAGCAGTTCCAGGGGTCTTCCTTAATGGCTGCCTGGGCAGCCCCCGGCCCCA[C>A]CAAGAGGTCCACACACTCCACGCAAAAGCACCTGGAAGGAGACCCAGTGAGCAGAGGAGA-3'
Protein context (NP_072046.2, residues 557-577): CFCVECVDLL[Val567Leu]GPGAAQAAIK